The following is an entry in ClinVar:

NM_017654.4(SAMD9):c.3227A>G (p.His1076Arg)

Gene: SAMD9 (sterile alpha motif domain containing 9; minus strand). Cytogenetic location: 7q21.2.
Variant type: single nucleotide variant.
Coding change: c.3227A>G on transcript NM_017654.4 (MANE Select); coding-DNA position 3227, A replaced by G.
Protein change: p.His1076Arg; replaces histidine 1076 with arginine.
Molecular consequence: missense variant.
Genome position (GRCh38, 1-based): chr7:93,102,871, T>C on the plus strand (A>G on the coding strand, the complement: SAMD9 is on the minus strand). VCF-style: chr7-93102871-T-C. GRCh37 (hg19) VCF-style: chr7-92732184-T-C.
Other names: c.3227A>G, p.His1076Arg (NM_001193307.2); c.3227A>G (NM_001193307.1); short protein forms H1076R.
Identifiers: ClinVar variation 1691671 (VCV001691671.10), dbSNP rs1273026568, ClinGen allele CA368188481.
Genomic context (GRCh38, chr7:93,102,871, plus strand): 5'-TTTTTAATGTAGAAATGTCTTGCCAACGCTTGGCAAATGAATGCATTTGGGTTGAACCGA[T>C]GGATACTTTCAAGCAATACAGCTTCAACTGCTTCATTTCCTTCATCTTTATGTAATGCTT-3'
Protein context (NP_060124.2, residues 1066-1086): AVEAVLLESI[His1076Arg]RFNPNAFICQ

ClinVar aggregate classification (germline): Uncertain significance. Review status: criteria provided, multiple submitters, no conflicts (2 of 4 stars). 4 submissions from 4 submitters: Uncertain significance (4). Last evaluated 2024-10-23.

Conditions:
Monosomy 7 myelodysplasia and leukemia syndrome 2. Identifiers: MedGen C5436668, MONDO:0030801, OMIM 619041.

Allele frequency attached by ClinVar (database versions not stated): gnomAD exomes below 0.00001; TOPMed below 0.00001; gnomAD 0.00001.
gnomAD v4.1: 7 of 1,613,732 alleles (0.00043%); highest among the groups gnomAD compares: Middle Eastern, 0.016%; no homozygotes.

Submissions (4):

Blueprint Genetics
Classification: Uncertain significance. Last evaluated: 2024-10-23. Review status: criteria provided, single submitter. Criteria: ACMG Guidelines, 2015. Collection method: clinical testing. Allele origin: germline.

Labcorp Genetics (formerly Invitae), Labcorp
Classification: Uncertain significance. Last evaluated: 2024-04-29. Review status: criteria provided, single submitter. Criteria: Invitae Variant Classification Sherloc (09022015). Collection method: clinical testing. Allele origin: germline.
Comment: This sequence change replaces histidine, which is basic and polar, with arginine, which is basic and polar, at codon 1076 of the SAMD9 protein (p.His1076Arg). This variant is not present in population databases (gnomAD no frequency). This variant has not been reported in the literature in individuals affected with SAMD9-related conditions. ClinVar contains an entry for this variant (Variation ID: 1691671). Advanced modeling of protein sequence and biophysical properties (such as structural, functional, and spatial information, amino acid conservation, physicochemical variation, residue mobility, and thermodynamic stability) performed at Invitae indicates that this missense variant is not expected to disrupt SAMD9 protein function with a negative predictive value of 95%. In summary, the available evidence is currently insufficient to determine the role of this variant in disease. Therefore, it has been classified as a Variant of Uncertain Significance.

Genomic Medicine Center of Excellence, King Faisal Specialist Hospital and Research Centre
Classification: Uncertain significance for Monosomy 7 myelodysplasia and leukemia syndrome 2. Last evaluated: 2024-03-26. Review status: criteria provided, single submitter. Criteria: ACMG Guidelines, 2015. Collection method: clinical testing. Allele origin: germline.

GeneDx
Classification: Uncertain significance. Last evaluated: 2021-12-09. Review status: criteria provided, single submitter. Criteria: GeneDx Variant Classification Process June 2021. Collection method: clinical testing. Allele origin: germline. Affected: yes.
Comment: Not observed at significant frequency in large population cohorts (gnomAD); In silico analysis supports that this missense variant does not alter protein structure/function; Has not been previously published as pathogenic or benign to our knowledge